The following is an entry in ClinVar:

ClinVar aggregate classification (germline): Uncertain significance. Review status: criteria provided, multiple submitters, no conflicts (2 of 4 stars). 3 submissions from 3 submitters: Uncertain significance (3). Last evaluated 2025-11-02.

Conditions:
Klippel-Feil anomaly-myopathy-facial dysmorphism syndrome. Also called: Klippel-Feil syndrome 4, autosomal recessive, with myopathy and facial dysmorphism; Klippel-feil syndrome 4, autosomal recessive, with nemaline myopathy and facial dysmorphism. Identifiers: Orphanet 447974, MedGen C4225285, MONDO:0014689, OMIM 616549.
Inborn genetic diseases. Identifiers: MedGen C0950123, MeSH D030342.

Allele frequency attached by ClinVar (database versions not stated): ExAC 0.00001; TOPMed 0.00001; gnomAD 0.00002.
gnomAD v4.1: 31 of 1,611,358 alleles (0.0019%); highest among the groups gnomAD compares: Non-Finnish European, 0.0026%; no homozygotes.

Submissions (3):

Ambry Genetics
Classification: Uncertain significance for Inborn genetic diseases. Last evaluated: 2025-11-02. Review status: criteria provided, single submitter. Criteria: Ambry Variant Classification Scheme 2023. Collection method: clinical testing. Allele origin: germline.

Labcorp Genetics (formerly Invitae), Labcorp
Classification: Uncertain significance. Last evaluated: 2022-09-01. Review status: criteria provided, single submitter. Criteria: Invitae Variant Classification Sherloc (09022015). Collection method: clinical testing. Allele origin: germline.
Comment: ClinVar contains an entry for this variant (Variation ID: 1032974). In summary, the available evidence is currently insufficient to determine the role of this variant in disease. Therefore, it has been classified as a Variant of Uncertain Significance. Algorithms developed to predict the effect of missense changes on protein structure and function are either unavailable or do not agree on the potential impact of this missense change (SIFT: "Not Available"; PolyPhen-2: "Probably Damaging"; Align-GVGD: "Not Available"). This variant has not been reported in the literature in individuals affected with MYO18B-related conditions. The frequency data for this variant in the population databases is considered unreliable, as metrics indicate poor data quality at this position in the gnomAD database. This sequence change replaces leucine, which is neutral and non-polar, with valine, which is neutral and non-polar, at codon 1182 of the MYO18B protein (p.Leu1182Val).

Baylor Genetics
Classification: Uncertain significance for Klippel-Feil anomaly-myopathy-facial dysmorphism syndrome. Last evaluated: 2018-01-31. Review status: criteria provided, single submitter. Criteria: ACMG Guidelines, 2015. Collection method: clinical testing. Allele origin: unknown. Affected: yes.
Comment: This variant was determined to be of uncertain significance according to ACMG Guidelines, 2015 [PMID:25741868].

NM_032608.7(MYO18B):c.3544C>G (p.Leu1182Val)

Gene: MYO18B (myosin XVIIIB; plus strand). Cytogenetic location: 22q12.1.
Variant type: single nucleotide variant.
Coding change: c.3544C>G on transcript NM_032608.7 (MANE Select); coding-DNA position 3544, C replaced by G.
Protein change: p.Leu1182Val; replaces leucine 1182 with valine.
Molecular consequence: missense variant.
Genome position (GRCh38, 1-based): chr22:25,846,275, C>G. VCF-style: chr22-25846275-C-G. GRCh37 (hg19) VCF-style: chr22-26242242-C-G.
Other names: c.3547C>G, p.Leu1183Val (NM_001318245.2); short protein forms L1182V, L1183V.
Identifiers: ClinVar variation 1032974 (VCV001032974.6), dbSNP rs745646260, ClinGen allele CA10160589.